The following is an entry in ClinVar:

NM_015662.3(IFT172):c.4500T>C (p.Tyr1500=)

Gene: IFT172 (intraflagellar transport 172; minus strand). Cytogenetic location: 2p23.3.
Variant type: single nucleotide variant.
Coding change: c.4500T>C on transcript NM_015662.3 (MANE Select); coding-DNA position 4500, T replaced by C.
Protein change: p.Tyr1500=; no amino-acid change (tyrosine 1500 retained).
Molecular consequence: synonymous variant.
Genome position (GRCh38, 1-based): chr2:27,447,851, A>G on the plus strand (T>C on the coding strand, the complement: IFT172 is on the minus strand). VCF-style: chr2-27447851-A-G. GRCh37 (hg19) VCF-style: chr2-27670718-A-G.
Other names: c.4434T>C, p.Tyr1478= (NM_001410739.1).
Identifiers: ClinVar variation 3358289 (VCV003358289.3).

ClinVar aggregate classification (germline): Likely benign. Review status: criteria provided, single submitter (1 of 4 stars). 2 submissions from 2 submitters: Likely benign (1). 1 of the submissions does not count toward it. Last evaluated 2024-04-16.

Conditions:
IFT172-related disorder. Also called: IFT172-related disorders; IFT172-related condition.
Short-rib thoracic dysplasia 10 with or without polydactyly (SRTD10). Identifiers: Orphanet 474, MedGen C3810175, MONDO:0014284, OMIM 615630.
Retinitis pigmentosa 71 (RP71). Identifiers: Orphanet 791, MedGen C4225342, MONDO:0014618, OMIM 616394.

gnomAD v4.1: 4 of 1,613,820 alleles (0.00025%); highest among the groups gnomAD compares: Non-Finnish European, 0.00025%; no homozygotes.

Submissions (2):

Labcorp Genetics (formerly Invitae), Labcorp
Classification: Likely benign for Retinitis pigmentosa 71; Short-rib thoracic dysplasia 10 with or without polydactyly. Last evaluated: 2024-04-16. Review status: criteria provided, single submitter. Criteria: Invitae Variant Classification Sherloc (09022015). Collection method: clinical testing. Allele origin: germline.

PreventionGenetics, part of Exact Sciences
Classification: Likely benign for IFT172-related condition. Last evaluated: 2024-09-11. Review status: no assertion criteria provided. Collection method: clinical testing. Allele origin: germline. Not counted in ClinVar's aggregate classification.
Comment: This variant is classified as likely benign based on ACMG/AMP sequence variant interpretation guidelines (Richards et al. 2015 PMID: 25741868, with internal and published modifications).